The following is an entry in ClinVar:

NM_005157.6(ABL1):c.3114G>A (p.Ala1038=)

Gene: ABL1 (ABL proto-oncogene 1, non-receptor tyrosine kinase; plus strand). Cytogenetic location: 9q34.12.
Variant type: single nucleotide variant.
Coding change: c.3114G>A on transcript NM_005157.6 (MANE Select); coding-DNA position 3114, G replaced by A.
Protein change: p.Ala1038=; no amino-acid change (alanine 1038 retained).
Molecular consequence: synonymous variant.
Genome position (GRCh38, 1-based): chr9:130,885,404, G>A. VCF-style: chr9-130885404-G-A. GRCh37 (hg19) VCF-style: chr9-133760791-G-A.
Other names: c.3171G>A, p.Ala1057= (NM_007313.3).
Identifiers: ClinVar variation 735793 (VCV000735793.11), dbSNP rs372136615, ClinGen allele CA5285861.

ClinVar aggregate classification (germline): Likely benign. Review status: criteria provided, multiple submitters, no conflicts (2 of 4 stars). 3 submissions from 3 submitters: Likely benign (2). 1 of the submissions does not count toward it. Last evaluated 2025-12-03.

Conditions:
ABL1-related disorder. Also called: ABL1-related condition.

Allele frequency attached by ClinVar (database versions not stated): ESP Exome Variant Server 0.00008; gnomAD 0.00001 and 0.00002; TOPMed 0.00002.
gnomAD v4.1: 48 of 1,613,476 alleles (0.003%); highest among the groups gnomAD compares: South Asian, 0.019%; no homozygotes.

Submissions (3):

Labcorp Genetics (formerly Invitae), Labcorp
Classification: Likely benign. Last evaluated: 2025-12-03. Review status: criteria provided, single submitter. Criteria: Invitae Variant Classification Sherloc (09022015). Collection method: clinical testing. Allele origin: germline.

Blueprint Genetics
Classification: Likely benign. Last evaluated: 2024-03-18. Review status: criteria provided, single submitter. Criteria: ACMG Guidelines, 2015. Collection method: clinical testing. Allele origin: germline.

PreventionGenetics, part of Exact Sciences
Classification: Likely benign for ABL1-related condition. Last evaluated: 2019-08-12. Review status: no assertion criteria provided. Collection method: clinical testing. Allele origin: germline. Not counted in ClinVar's aggregate classification.
Comment: This variant is classified as likely benign based on ACMG/AMP sequence variant interpretation guidelines (Richards et al. 2015 PMID: 25741868, with internal and published modifications).